The following is an entry in ClinVar:

ClinVar aggregate classification (germline): Conflicting classifications of pathogenicity. Review status: criteria provided, conflicting classifications (1 of 4 stars). 6 submissions from 6 submitters: Uncertain significance (4); Likely benign (2). Last evaluated 2025-11-18.

Conditions:
Familial colorectal cancer type X. Identifiers: Orphanet 440437, MedGen C3896578, MONDO:0018604.
Polymerase proofreading-related adenomatous polyposis. Also called: Polymerase proofreading associated polyposis; Polymerase proofreading–associated polyposis (PPAP). Identifiers: Orphanet 447877, MedGen C5202613, MONDO:0018653.
Hereditary cancer-predisposing syndrome. Also called: Neoplastic Syndromes, Hereditary; Tumor predisposition; Hereditary Cancer Syndrome; Hereditary neoplastic syndrome. Identifiers: Orphanet 140162, MedGen C0027672, MeSH D009386, MONDO:0015356.

Allele frequency attached by ClinVar (database versions not stated): ExAC 0.00003; gnomAD exomes 0.00004 and 0.00002; ESP Exome Variant Server 0.00008; gnomAD 0.00002; TOPMed 0.00002.
gnomAD v4.1: 37 of 1,613,664 alleles (0.0023%); highest among the groups gnomAD compares: African/African-American, 0.004%; no homozygotes.

Submissions (6):

Labcorp Genetics (formerly Invitae), Labcorp
Classification: Uncertain significance. Last evaluated: 2025-11-18. Review status: criteria provided, single submitter. Criteria: Invitae Variant Classification Sherloc (09022015). Collection method: clinical testing. Allele origin: germline.
Comment: This sequence change replaces serine, which is neutral and polar, with leucine, which is neutral and non-polar, at codon 2268 of the POLE protein (p.Ser2268Leu). This variant is present in population databases (rs373791036, gnomAD 0.04%). This variant has not been reported in the literature in individuals affected with POLE-related conditions. ClinVar contains an entry for this variant (Variation ID: 405583). Invitae Evidence Modeling of protein sequence and biophysical properties (such as structural, functional, and spatial information, amino acid conservation, physicochemical variation, residue mobility, and thermodynamic stability) indicates that this missense variant is not expected to disrupt POLE protein function with a negative predictive value of 80%. In summary, the available evidence is currently insufficient to determine the role of this variant in disease. Therefore, it has been classified as a Variant of Uncertain Significance.

Center for Genomic Medicine, Rigshospitalet, Copenhagen University Hospital
Classification: Uncertain significance. Last evaluated: 2025-03-04. Review status: criteria provided, single submitter. Criteria: ACMG Guidelines, 2015. Collection method: clinical testing. Allele origin: germline.

Ambry Genetics
Classification: Likely benign for Hereditary cancer-predisposing syndrome. Last evaluated: 2024-10-30. Review status: criteria provided, single submitter. Criteria: Ambry Variant Classification Scheme 2023. Collection method: clinical testing. Allele origin: germline.

Blueprint Genetics
Classification: Likely benign. Last evaluated: 2024-07-31. Review status: criteria provided, single submitter. Criteria: ACMG Guidelines, 2015. Collection method: clinical testing. Allele origin: germline.

GeneDx
Classification: Uncertain significance. Last evaluated: 2023-10-13. Review status: criteria provided, single submitter. Criteria: GeneDx Variant Classification Process June 2021. Collection method: clinical testing. Allele origin: germline. Affected: yes.
Comment: In silico analysis supports that this missense variant has a deleterious effect on protein structure/function; Observed in an individual with ovarian cancer (Song et al., 2021); This variant is associated with the following publications: (PMID: 22492711, 25801821, 32546565)

Department of Pathology and Laboratory Medicine, Sinai Health System
Classification: Uncertain significance for Polymerase proofreading-related adenomatous polyposis; Familial colorectal cancer type X. Last evaluated: 2020-09-22. Review status: criteria provided, single submitter. Criteria: ACMG Guidelines, 2015. Collection method: clinical testing. Allele origin: germline. Affected: yes.

NM_006231.4(POLE):c.6803C>T (p.Ser2268Leu)

Gene: POLE (DNA polymerase epsilon, catalytic subunit; minus strand). Cytogenetic location: 12q24.33.
Variant type: single nucleotide variant.
Coding change: c.6803C>T on transcript NM_006231.4 (MANE Select); coding-DNA position 6803, C replaced by T.
Protein change: p.Ser2268Leu; replaces serine 2268 with leucine.
Molecular consequence: missense variant.
Genome position (GRCh38, 1-based): chr12:132,624,755, G>A on the plus strand (C>T on the coding strand, the complement: POLE is on the minus strand). VCF-style: chr12-132624755-G-A. GRCh37 (hg19) VCF-style: chr12-133201341-G-A.
Other names: short protein forms S2268L.
Identifiers: ClinVar variation 405583 (VCV000405583.22), dbSNP rs373791036, ClinGen allele CA6891959.